The following is an entry in ClinVar:

ClinVar aggregate classification (germline): Conflicting classifications of pathogenicity. Review status: criteria provided, conflicting classifications (1 of 4 stars). 4 submissions from 4 submitters: Uncertain significance (3); Likely benign (1). Last evaluated 2025-09-10.

Conditions:
CHARGE syndrome (CHARGE). Also called: Coloboma, heart anomaly, choanal atresia, retardation, genital and ear anomalies; CHARGE association; Hall-Hittner syndrome; Hittner Hirsch Kreh syndrome; CHARGE ASSOCIATION--COLOBOMA, HEART ANOMALY, CHOANAL ATRESIA, RETARDATION, GENITAL AND EAR ANOMALIES. Identifiers: Orphanet 138, MedGen C0265354, MONDO:0008965.
CHD7-related disorder. Also called: CHD7-related condition.
Hypogonadotropic hypogonadism 5 with or without anosmia (KAL5). Also called: HYPOGONADOTROPIC HYPOGONADISM 5 WITH ANOSMIA; HYPOGONADOTROPHIC HYPOGONADISM 5 WITHOUT ANOSMIA; CHD7-Related GnRH Deficiency (Kallmann Syndrome 5). Identifiers: Orphanet 478, MedGen C3552553, MONDO:0012880, OMIM 612370. Disease mechanism: loss of function.

Allele frequency attached by ClinVar (database versions not stated): ExAC 0.00001; TOPMed 0.00001.
gnomAD v4.1: 12 of 1,611,622 alleles (0.00074%); highest among the groups gnomAD compares: Non-Finnish European, 0.001%; no homozygotes.

Submissions (4):

Labcorp Genetics (formerly Invitae), Labcorp
Classification: Likely benign for CHARGE syndrome. Last evaluated: 2025-09-10. Review status: criteria provided, single submitter. Criteria: Invitae Variant Classification Sherloc (09022015). Collection method: clinical testing. Allele origin: germline.

PreventionGenetics, part of Exact Sciences
Classification: Uncertain significance for CHD7-related condition. Last evaluated: 2024-11-05. Review status: criteria provided, single submitter. Criteria: ACMG Guidelines, 2015. Collection method: clinical testing. Allele origin: germline.
Comment: The CHD7 c.7043G>A variant is predicted to result in the amino acid substitution p.Gly2348Asp. This variant was reported in an individual with functional hypogonadotropic hypogonadism (Dwyer et al. 2019. PubMed ID: 31220265). This variant is reported in 0.0018% of alleles in individuals of European (non-Finnish) descent in gnomAD. At this time, the clinical significance of this variant is uncertain due to the absence of conclusive functional and genetic evidence.

Fulgent Genetics
Classification: Uncertain significance for CHD7-related CHARGE syndrome; Hypogonadotropic hypogonadism 5 with or without anosmia. Last evaluated: 2021-08-04. Review status: criteria provided, single submitter. Criteria: ACMG Guidelines, 2015. Collection method: clinical testing. Allele origin: unknown.

Blueprint Genetics
Classification: Uncertain significance. Last evaluated: 2019-11-13. Review status: criteria provided, single submitter. Criteria: ACMG Guidelines, 2015. Collection method: clinical testing. Allele origin: germline.

NM_017780.4(CHD7):c.7043G>A (p.Gly2348Asp)

Gene: CHD7 (chromodomain helicase DNA binding protein 7; plus strand). Cytogenetic location: 8q12.2.
Variant type: single nucleotide variant.
Coding change: c.7043G>A on transcript NM_017780.4 (MANE Select); coding-DNA position 7043, G replaced by A.
Protein change: p.Gly2348Asp; replaces glycine 2348 with aspartic acid.
Molecular consequence: missense variant. On other transcripts: intron variant (1).
Genome position (GRCh38, 1-based): chr8:60,856,081, G>A. VCF-style: chr8-60856081-G-A. GRCh37 (hg19) VCF-style: chr8-61768640-G-A.
Other names: c.1717-6148G>A (NM_001316690.1); short protein forms G2348D.
Identifiers: ClinVar variation 655301 (VCV000655301.14), dbSNP rs754527047, ClinGen allele CA4760727.